The following is an entry in ClinVar:

ClinVar aggregate classification (germline): Uncertain significance (1 of 4 stars; one submission).

Conditions:
Severe combined immunodeficiency due to IKK2 deficiency. Also called: Immunodeficiency 15; IMMUNODEFICIENCY 15B. Identifiers: Orphanet 397787, MedGen C4747743, MONDO:0014267, OMIM 615592.

Submission:

Labcorp Genetics (formerly Invitae), Labcorp
Classification: Uncertain significance for Severe combined immunodeficiency due to IKK2 deficiency. Last evaluated: 2022-04-12. Review status: criteria provided, single submitter. Criteria: Invitae Variant Classification Sherloc (09022015). Collection method: clinical testing. Allele origin: germline.
Comment: In summary, the available evidence is currently insufficient to determine the role of this variant in disease. Therefore, it has been classified as a Variant of Uncertain Significance. Advanced modeling of protein sequence and biophysical properties (such as structural, functional, and spatial information, amino acid conservation, physicochemical variation, residue mobility, and thermodynamic stability) performed at Invitae indicates that this missense variant is not expected to disrupt IKBKB protein function. This variant has not been reported in the literature in individuals affected with IKBKB-related conditions. This variant is not present in population databases (gnomAD no frequency). This sequence change replaces glutamine, which is neutral and polar, with arginine, which is basic and polar, at codon 611 of the IKBKB protein (p.Gln611Arg).

NM_001556.3(IKBKB):c.1832A>G (p.Gln611Arg)

Gene: IKBKB (inhibitor of nuclear factor kappa B kinase subunit beta; plus strand). Cytogenetic location: 8p11.21.
Variant type: single nucleotide variant.
Coding change: c.1832A>G on transcript NM_001556.3 (MANE Select); coding-DNA position 1832, A replaced by G.
Protein change: p.Gln611Arg; replaces glutamine 611 with arginine.
Molecular consequence: missense variant. On other transcripts: non-coding transcript variant (3).
Genome position (GRCh38, 1-based): chr8:42,322,147, A>G. VCF-style: chr8-42322147-A-G. GRCh37 (hg19) VCF-style: chr8-42179665-A-G.
Other names: c.1640A>G, p.Gln547Arg (NM_001190720.3); c.1655A>G, p.Gln552Arg (NM_001242778.2); short protein forms Q547R, Q611R, Q552R.
Identifiers: ClinVar variation 2125112 (VCV002125112.4), dbSNP rs2487735616, ClinGen allele CA371092583.